The following is an entry in ClinVar:

NM_001001344.3(ATP2B3):c.2158G>C (p.Gly720Arg)

Gene: ATP2B3 (ATPase plasma membrane Ca2+ transporting 3; plus strand). Cytogenetic location: Xq28.
Variant type: single nucleotide variant.
Coding change: c.2158G>C on transcript NM_001001344.3 (MANE Select); coding-DNA position 2158, G replaced by C.
Protein change: p.Gly720Arg; replaces glycine 720 with arginine.
Molecular consequence: missense variant.
Genome position (GRCh38, 1-based): chrX:153,556,148, G>C. VCF-style: chrX-153556148-G-C. GRCh37 (hg19) VCF-style: chrX-152821606-G-C.
Other names: c.2158G>C, p.Gly720Arg (NM_001388360.1, NM_001388361.1, NM_001388362.1 and 1 more transcripts); short protein forms G720R.
Identifiers: ClinVar variation 1033156 (VCV001033156.3), dbSNP rs782081961, ClinGen allele CA415072296.
Genomic context (GRCh38, chrX:153,556,148, plus strand): 5'-ACAGTCCGCATGGTGACTGGGGACAACATCAACACGGCCCGGGCCATCGCAGCCAAATGC[G>C]GCATCATCCAGCCCGGGGAGGACTTCCTGTGCCTAGAAGGGAAGGAGTTCAACCGGCGGA-3'
Protein context (NP_001001344.1, residues 710-730): NTARAIAAKC[Gly720Arg]IIQPGEDFLC

ClinVar aggregate classification (germline): Uncertain significance. Review status: criteria provided, multiple submitters, no conflicts (2 of 4 stars). 2 submissions from 2 submitters: Uncertain significance (2). Last evaluated 2025-06-26.

Conditions:
X-linked progressive cerebellar ataxia. Also called: OLIVOPONTOCEREBELLAR ATROPHY, X-LINKED; OPCA, X-LINKED; Spinocerebellar ataxia, X-linked 1. Identifiers: Orphanet 1175, MedGen C0796205, MONDO:0010547, OMIM 302500.

gnomAD v4.1: 5 of 1,212,292 alleles (0.00041%); highest among the groups gnomAD compares: Non-Finnish European, 0.00056%; no homozygotes.

Submissions (2):

Women's Health and Genetics/Laboratory Corporation of America, LabCorp
Classification: Uncertain significance. Last evaluated: 2025-06-26. Review status: criteria provided, single submitter. Criteria: LabCorp Variant Classification Summary - May 2015. Collection method: clinical testing. Allele origin: germline.
Comment: Variant summary: ATP2B3 c.2158G>C (p.Gly720Arg) results in a non-conservative amino acid change located in the P-type ATPase, haloacid dehalogenase domain (IPR004608) of the encoded protein sequence. Algorithms developed to predict the effect of missense changes on protein structure and function all suggest that this variant is likely to be disruptive. The variant was absent in 182920 control chromosomes. The available data on variant occurrences in the general population are insufficient to allow any conclusion about variant significance. To our knowledge, no occurrence of c.2158G>C in individuals affected with X-Linked Progressive Cerebellar Ataxia and no experimental evidence demonstrating its impact on protein function have been reported. ClinVar contains an entry for this variant (Variation ID: 1033156). Based on the evidence outlined above, the variant was classified as uncertain significance.

Baylor Genetics
Classification: Uncertain significance for X-linked progressive cerebellar ataxia. Last evaluated: 2018-04-23. Review status: criteria provided, single submitter. Criteria: ACMG Guidelines, 2015. Collection method: clinical testing. Allele origin: maternal. Affected: yes.
Comment: This variant was determined to be of uncertain significance according to ACMG Guidelines, 2015 [PMID:25741868]. Missense changes in ATP2B3 have been previously reported in patients with abnormality of the nervous system [PMID: 26633542] and developmental delay, intellectual disability, microcephaly, hypotonia, muscle atrophy & oropharyngeal anomalies [PMID: 27435318]

Literature cited by the submitters: PubMed 26633542 (cited by Baylor Genetics); PubMed 27435318 (cited by Baylor Genetics).